The following is an entry in ClinVar:

NM_014249.4(NR2E3):c.963_966del (p.Ala321_Cys322insTer)

Gene: NR2E3 (nuclear receptor subfamily 2 group E member 3; plus strand). Cytogenetic location: 15q23.
Variant type: Deletion.
Coding change: c.963_966del on transcript NM_014249.4 (MANE Select); coding-DNA positions 963 to 966, 4 bases deleted (CTGC; older notation c.963_966delCTGC).
Protein change: p.Ala321_Cys322insTer.
Molecular consequence: frameshift variant.
Genome position (GRCh38, 1-based): chr15:71,813,604-71,813,607, CTGC deleted; deleting any 4 consecutive bases within chr15:71,813,601-71,813,607 gives the same sequence; the c. name uses the placement nearest the transcript's 3' end. VCF-style (leftmost placement, unchanged base first): chr15-71813600-TTGCC-T. GRCh37 (hg19) VCF-style: chr15-72105941-TTGCC-T.
Other names: c.963_966del, p.Ala321_Cys322insTer (NM_016346.4).
Identifiers: ClinVar variation 4815624 (VCV004815624.1).

ClinVar aggregate classification (germline): Likely pathogenic (1 of 4 stars; one submission).

Conditions:
Enhanced S-cone syndrome (ESCS). Identifiers: Orphanet 53540, MedGen C1849394, MONDO:0100288, MONDO:0009989.

Submission:

Natera, Inc.
Classification: Likely pathogenic for Enhanced S cone syndrome. Last evaluated: 2025-07-25. Review status: criteria provided, single submitter. Criteria: Natera Variant Classification Schema (03/2026). Collection method: clinical testing. Allele origin: germline.
Comment: The c.963_966del variant in NR2E3 is a frameshift variant predicted to shift the reading frame and introduce a stop codon. This variant is expected to result in nonsense mediated decay, truncation, or a dysfunctional protein product. This variant is rare in the general population with a frequency below the threshold expected for the associated phenotype(s). Given the available evidence, this variant is classified as Likely Pathogenic.